The following is an entry in ClinVar:

ClinVar aggregate classification (germline): Uncertain significance (1 of 4 stars; one submission).

Conditions:
Inborn genetic diseases. Identifiers: MedGen C0950123, MeSH D030342.

Submission:

Ambry Genetics
Classification: Uncertain significance for Inborn genetic diseases. Last evaluated: 2018-09-02. Review status: criteria provided, single submitter. Criteria: Ambry Variant Classification Scheme 2023. Collection method: clinical testing. Allele origin: germline.
Comment: The p.R346T variant (also known as c.1037G>C), located in coding exon 10 of the CC2D1A gene, results from a G to C substitution at nucleotide position 1037. The arginine at codon 346 is replaced by threonine, an amino acid with similar properties. This amino acid position is not well conserved in available vertebrate species. In addition, this alteration is predicted to be tolerated by in silico analysis. Since supporting evidence is limited at this time, the clinical significance of this alteration remains unclear.

NM_017721.5(CC2D1A):c.1037G>C (p.Arg346Thr)

Gene: CC2D1A (coiled-coil and C2 domain containing 1A; plus strand). Cytogenetic location: 19p13.12.
Variant type: single nucleotide variant.
Coding change: c.1037G>C on transcript NM_017721.5 (MANE Select); coding-DNA position 1037, G replaced by C.
Protein change: p.Arg346Thr; replaces arginine 346 with threonine.
Molecular consequence: missense variant.
Genome position (GRCh38, 1-based): chr19:13,918,930, G>C. VCF-style: chr19-13918930-G-C. GRCh37 (hg19) VCF-style: chr19-14029743-G-C.
Other names: c.1037G>C, p.Arg346Thr (NM_001411138.1); short protein forms R346T.
Identifiers: ClinVar variation 1772951 (VCV001772951.2), dbSNP rs2513094110, ClinGen allele CA404382597.